The following is an entry in ClinVar:

ClinVar aggregate classification (germline): Uncertain significance. Review status: criteria provided, multiple submitters, no conflicts (2 of 4 stars). 3 submissions from 3 submitters: Uncertain significance (3). Last evaluated 2025-11-10.

Conditions:
Hereditary cancer-predisposing syndrome. Also called: Hereditary neoplastic syndrome; Neoplastic Syndromes, Hereditary; Tumor predisposition; Hereditary Cancer Syndrome. Identifiers: Orphanet 140162, MedGen C0027672, MeSH D009386, MONDO:0015356.
Baller-Gerold syndrome (BGS). Also called: CRANIOSYNOSTOSIS WITH RADIAL DEFECTS. Identifiers: Orphanet 1225, MedGen C0265308, MONDO:0009039, OMIM 218600.

Allele frequency attached by ClinVar (database versions not stated): ExAC 0.00001; gnomAD 0.00001 and 0.00002; gnomAD exomes 0.00001; TOPMed 0.00001.
gnomAD v4.1: 15 of 1,609,152 alleles (0.00093%); highest among the groups gnomAD compares: South Asian, 0.0044%; no homozygotes.

Submissions (3):

Labcorp Genetics (formerly Invitae), Labcorp
Classification: Uncertain significance for Baller-Gerold syndrome. Last evaluated: 2025-11-10. Review status: criteria provided, single submitter. Criteria: Invitae Variant Classification Sherloc (09022015). Collection method: clinical testing. Allele origin: germline.
Comment: This sequence change replaces arginine, which is basic and polar, with cysteine, which is neutral and slightly polar, at codon 375 of the RECQL4 protein (p.Arg375Cys). This variant is present in population databases (rs746423729, gnomAD 0.003%). This variant has not been reported in the literature in individuals affected with RECQL4-related conditions. ClinVar contains an entry for this variant (Variation ID: 459302). Invitae Evidence Modeling of protein sequence and biophysical properties (such as structural, functional, and spatial information, amino acid conservation, physicochemical variation, residue mobility, and thermodynamic stability) indicates that this missense variant is expected to disrupt RECQL4 protein function with a positive predictive value of 80%. In summary, the available evidence is currently insufficient to determine the role of this variant in disease. Therefore, it has been classified as a Variant of Uncertain Significance.

GeneDx
Classification: Uncertain significance. Last evaluated: 2024-04-09. Review status: criteria provided, single submitter. Criteria: GeneDx Variant Classification Process June 2021. Collection method: clinical testing. Allele origin: germline. Affected: yes.
Comment: In silico analysis supports that this missense variant has a deleterious effect on protein structure/function; Has not been previously published as pathogenic or benign to our knowledge

Sema4
Classification: Uncertain significance for Hereditary cancer-predisposing syndrome. Last evaluated: 2022-02-10. Review status: criteria provided, single submitter. Criteria: Sema4 Curation Guidelines. Collection method: curation. Allele origin: germline.
Comment: The RECQL4 c.1123C>T ( p.R375C) variant has not been reported in the literature to our knowledge. This variant was observed in 2/34404 chromosomes in the Latino population according to the Genome Aggregation Database (PMID: 32461654). This variant has been reported in ClinVar (Variation ID: 459302). In silico tools suggest the impact of the variant on protein function is deleterious though these predictions have not been confirmed by functional studies. The evidence is insufficient to meet ACMG/AMP criteria for classifying the variant as benign or pathogenic. Thus, the clinical significance of this variant is currently uncertain.

NM_004260.4(RECQL4):c.1123C>T (p.Arg375Cys)

Gene: RECQL4 (RecQ like helicase 4; minus strand). Cytogenetic location: 8q24.3.
Variant type: single nucleotide variant.
Coding change: c.1123C>T on transcript NM_004260.4 (MANE Select); coding-DNA position 1123, C replaced by T.
Protein change: p.Arg375Cys; replaces arginine 375 with cysteine.
Molecular consequence: missense variant.
Genome position (GRCh38, 1-based): chr8:144,515,996, G>A on the plus strand (C>T on the coding strand, the complement: RECQL4 is on the minus strand). VCF-style: chr8-144515996-G-A. GRCh37 (hg19) VCF-style: chr8-145741380-G-A.
Other names: short protein forms R375C.
Identifiers: ClinVar variation 459302 (VCV000459302.9), dbSNP rs746423729, ClinGen allele CA4949063.
Genomic context (GRCh38, chr8:144,515,996, plus strand): 5'-AGGGCTGAGGGGAGGGAAAGGGAATGCCTGTCCTGGCCCGTCGCTGTCTTACCTGCTTGC[G>A]GAGGAGCCTGCTACGGAGTGCCCGGCCCCGCACGTAGTGTTTCTGCTTCATGTTGAGCCG-3'
Protein context (NP_004251.4, residues 365-385): RGRALRSRLL[Arg375Cys]KQAWKQKWRK